The following is an entry in ClinVar:

NM_021913.5(AXL):c.1966A>G (p.Ile656Val)

Gene: AXL (AXL receptor tyrosine kinase; plus strand). Cytogenetic location: 19q13.2.
Variant type: single nucleotide variant.
Coding change: c.1966A>G on transcript NM_021913.5 (MANE Select); coding-DNA position 1966, A replaced by G.
Protein change: p.Ile656Val; replaces isoleucine 656 with valine.
Molecular consequence: missense variant.
Genome position (GRCh38, 1-based): chr19:41,253,638, A>G. VCF-style: chr19-41253638-A-G. GRCh37 (hg19) VCF-style: chr19-41759543-A-G.
Other names: c.1162A>G, p.Ile388Val (NM_001278599.2); c.1939A>G, p.Ile647Val (NM_001699.6); short protein forms I388V, I656V, I647V.
Identifiers: ClinVar variation 4737664 (VCV004737664.1).

ClinVar aggregate classification (germline): Uncertain significance (1 of 4 stars; one submission).

gnomAD v4.1: 12 of 1,613,790 alleles (0.00074%); highest among the groups gnomAD compares: South Asian, 0.0099%; no homozygotes.

Submission:

Labcorp Genetics (formerly Invitae), Labcorp
Classification: Uncertain significance. Last evaluated: 2026-01-14. Review status: criteria provided, single submitter. Criteria: Invitae Variant Classification Sherloc (09022015). Collection method: clinical testing. Allele origin: germline.
Comment: This sequence change replaces isoleucine, which is neutral and non-polar, with valine, which is neutral and non-polar, at codon 656 of the AXL protein (p.Ile656Val). This variant is present in population databases (rs756620684, gnomAD 0.01%). This missense change has been observed in individual(s) with idiopathic hypogonadotropic hypogonadism (PMID: 30098700, 35797970). Invitae Evidence Modeling of protein sequence and biophysical properties (such as structural, functional, and spatial information, amino acid conservation, physicochemical variation, residue mobility, and thermodynamic stability) indicates that this missense variant is not expected to disrupt AXL protein function with a negative predictive value of 80%. In summary, the available evidence is currently insufficient to determine the role of this variant in disease. Therefore, it has been classified as a Variant of Uncertain Significance.

Literature cited by the submitters: PubMed 30098700; PubMed 35797970.